The following is an entry in ClinVar:

NM_001382567.1(STIM1):c.692A>T (p.Tyr231Phe)

Gene: STIM1 (stromal interaction molecule 1; plus strand). Cytogenetic location: 11p15.4.
Variant type: single nucleotide variant.
Coding change: c.692A>T on transcript NM_001382567.1 (MANE Select); coding-DNA position 692, A replaced by T.
Protein change: p.Tyr231Phe; replaces tyrosine 231 with phenylalanine.
Molecular consequence: missense variant. On other transcripts: non-coding transcript variant (2).
Genome position (GRCh38, 1-based): chr11:4,070,104, A>T. VCF-style: chr11-4070104-A-T. GRCh37 (hg19) VCF-style: chr11-4091334-A-T.
Other names: c.692A>T, p.Tyr231Phe (NM_001277961.3, NM_001277962.2, NM_001382568.1 and 2 more transcripts); c.470A>T, p.Tyr157Phe (NM_001382566.1, NM_001382573.1, NM_001382574.1 and 5 more transcripts); c.557A>T, p.Tyr186Phe (NM_001382569.1); c.464A>T, p.Tyr155Phe (NM_001382570.1); c.212A>T, p.Tyr71Phe (NM_001382571.1); c.203A>T, p.Tyr68Phe (NM_001382580.1, NM_001382581.1); short protein forms Y157F, Y186F, Y231F, Y68F, Y155F, Y71F.
Identifiers: ClinVar variation 2070034 (VCV002070034.4), dbSNP rs765230033, ClinGen allele CA5830294.

ClinVar aggregate classification (germline): Uncertain significance (1 of 4 stars; one submission).

Conditions:
Stormorken syndrome (STRMK). Also called: THROMBOCYTOPATHY, ASPLENIA, AND MIOSIS. Identifiers: Orphanet 3204, MedGen C1861451, MONDO:0008497, OMIM 185070.
Myopathy with tubular aggregates (TAM). Also called: Tubular Aggregate Myopathy. Identifiers: Orphanet 2593, MedGen C0410207, MONDO:0008051.
Combined immunodeficiency due to STIM1 deficiency. Also called: IMMUNODEFICIENCY 10; STIM1 DEFICIENCY. Identifiers: Orphanet 169090, Orphanet 317430, MedGen C2748557, MONDO:0013008, OMIM 612783.

Allele frequency attached by ClinVar (database versions not stated): gnomAD 0.00001; ExAC 0.00001.
gnomAD v4.1: 11 of 1,614,058 alleles (0.00068%); highest among the groups gnomAD compares: African/African-American, 0.0013%; no homozygotes.

Submission:

Labcorp Genetics (formerly Invitae), Labcorp
Classification: Uncertain significance for Myopathy with tubular aggregates; Combined immunodeficiency due to STIM1 deficiency; Stormorken syndrome. Last evaluated: 2025-07-09. Review status: criteria provided, single submitter. Criteria: Invitae Variant Classification Sherloc (09022015). Collection method: clinical testing. Allele origin: germline.
Comment: This sequence change replaces tyrosine, which is neutral and polar, with phenylalanine, which is neutral and non-polar, at codon 231 of the STIM1 protein (p.Tyr231Phe). This variant is present in population databases (rs765230033, gnomAD 0.007%). This variant has not been reported in the literature in individuals affected with STIM1-related conditions. ClinVar contains an entry for this variant (Variation ID: 2070034). Invitae Evidence Modeling of protein sequence and biophysical properties (such as structural, functional, and spatial information, amino acid conservation, physicochemical variation, residue mobility, and thermodynamic stability) has been performed for this missense variant. However, the output from this modeling did not meet the statistical confidence thresholds required to predict the impact of this variant on STIM1 protein function. In summary, the available evidence is currently insufficient to determine the role of this variant in disease. Therefore, it has been classified as a Variant of Uncertain Significance.